The following is an entry in ClinVar:

NM_003640.5(ELP1):c.151-2A>C

Gene: ELP1 (elongator acetyltransferase complex subunit 1; minus strand). Cytogenetic location: 9q31.3.
Variant type: single nucleotide variant.
Coding change: c.151-2A>C on transcript NM_003640.5 (MANE Select); the canonical splice acceptor site of the intron before coding-DNA position 151, A replaced by C.
Molecular consequence: splice acceptor variant.
Genome position (GRCh38, 1-based): chr9:108,929,923, T>G on the plus strand (A>C on the coding strand, the complement: ELP1 is on the minus strand). VCF-style: chr9-108929923-T-G. GRCh37 (hg19) VCF-style: chr9-111692203-T-G.
Other names: c.-192-2A>C (NM_001318360.2); c.-709-2A>C (NM_001330749.2).
Identifiers: ClinVar variation 2088379 (VCV002088379.4), dbSNP rs2537964254, ClinGen allele CA374394549.
Genomic context (GRCh38, chr9:108,929,923, plus strand): 5'-CGGCCACTTCCATCCTCTGGGAGAAAGCCTTCTGCCACCAAAGAAACTTCATTTTTCACC[T>G]TTCACCAAAGTAAACACAAGCAAATTAACCCAGTCTACTTTCAAGAATAATTGATAACAT-3'

ClinVar aggregate classification (germline): Likely pathogenic (1 of 4 stars; one submission).

Submission:

Labcorp Genetics (formerly Invitae), Labcorp
Classification: Likely pathogenic. Last evaluated: 2022-01-26. Review status: criteria provided, single submitter. Criteria: Invitae Variant Classification Sherloc (09022015). Collection method: clinical testing. Allele origin: germline.
Comment: In summary, the currently available evidence indicates that the variant is pathogenic, but additional data are needed to prove that conclusively. Therefore, this variant has been classified as Likely Pathogenic. Algorithms developed to predict the effect of sequence changes on RNA splicing suggest that this variant may disrupt the consensus splice site. This variant has not been reported in the literature in individuals affected with ELP1-related conditions. This variant is not present in population databases (gnomAD no frequency). This sequence change affects an acceptor splice site in intron 2 of the ELP1 gene. It is expected to disrupt RNA splicing. Variants that disrupt the donor or acceptor splice site typically lead to a loss of protein function (PMID: 16199547), and loss-of-function variants in ELP1 are known to be pathogenic (PMID: 18303054, 24173031).

Literature cited by the submitters: PubMed 16199547; PubMed 18303054; PubMed 24173031.